The following is an entry in ClinVar:

NM_015570.4(AUTS2):c.3159C>T (p.Ser1053=)

Gene: AUTS2 (activator of transcription and developmental regulator AUTS2; plus strand). Cytogenetic location: 7q11.22.
Variant type: single nucleotide variant.
Coding change: c.3159C>T on transcript NM_015570.4 (MANE Select); coding-DNA position 3159, C replaced by T.
Protein change: p.Ser1053=; no amino-acid change (serine 1053 retained).
Molecular consequence: synonymous variant.
Genome position (GRCh38, 1-based): chr7:70,790,375, C>T. VCF-style: chr7-70790375-C-T. GRCh37 (hg19) VCF-style: chr7-70255361-C-T.
Other names: c.3087C>T, p.Ser1029= (NM_001127231.3).
Identifiers: ClinVar variation 1185753 (VCV001185753.31), dbSNP rs763228966, ClinGen allele CA4281278.

ClinVar aggregate classification (germline): Likely benign. Review status: criteria provided, multiple submitters, no conflicts (2 of 4 stars). 3 submissions from 3 submitters: Likely benign (3). Last evaluated 2025-08-10.

Allele frequency attached by ClinVar (database versions not stated): gnomAD 0.00001; gnomAD exomes 0.00002 and 0.00003; TOPMed 0.00002; ExAC 0.00006.
gnomAD v4.1: 29 of 1,613,874 alleles (0.0018%); highest among the groups gnomAD compares: Middle Eastern, 0.033%; no homozygotes.

Submissions (3):

Labcorp Genetics (formerly Invitae), Labcorp
Classification: Likely benign. Last evaluated: 2025-08-10. Review status: criteria provided, single submitter. Criteria: Invitae Variant Classification Sherloc (09022015). Collection method: clinical testing. Allele origin: germline.

CeGaT Center for Human Genetics Tuebingen
Classification: Likely benign. Last evaluated: 2022-08-01. Review status: criteria provided, single submitter. Criteria: CeGaT Center For Human Genetics Tuebingen Variant Classification Criteria Version 2. Collection method: clinical testing. Allele origin: germline. Affected: yes. Observed: 1 variant allele.
Comment: AUTS2: BP4, BP7

GeneDx
Classification: Likely benign. Last evaluated: 2021-01-19. Review status: criteria provided, single submitter. Criteria: GeneDx Variant Classification Process June 2021. Collection method: clinical testing. Allele origin: germline. Affected: yes.